The following is an entry in ClinVar:

ClinVar aggregate classification (germline): Uncertain significance (1 of 4 stars; one submission).

gnomAD v4.1: 1 of 1,607,520 alleles (0.000062%); highest among the groups gnomAD compares: Non-Finnish European, 0.000085%; no homozygotes.

Submission:

CeGaT Center for Human Genetics Tuebingen
Classification: Uncertain significance. Last evaluated: 2023-01-01. Review status: criteria provided, single submitter. Criteria: CeGaT Center For Human Genetics Tuebingen Variant Classification Criteria Version 2. Collection method: clinical testing. Allele origin: germline. Affected: yes. Observed: 1 variant allele.
Comment: TRIOBP: PM2

NM_001039141.3(TRIOBP):c.3129G>T (p.Glu1043Asp)

Gene: TRIOBP (TRIO and F-actin binding protein; plus strand). Cytogenetic location: 22q13.1.
Variant type: single nucleotide variant.
Coding change: c.3129G>T on transcript NM_001039141.3 (MANE Select); coding-DNA position 3129, G replaced by T.
Protein change: p.Glu1043Asp; replaces glutamic acid 1043 with aspartic acid.
Molecular consequence: missense variant.
Genome position (GRCh38, 1-based): chr22:37,725,685, G>T. VCF-style: chr22-37725685-G-T. GRCh37 (hg19) VCF-style: chr22-38121692-G-T.
Other names: short protein forms E1043D.
Identifiers: ClinVar variation 2653120 (VCV002653120.24), dbSNP rs778121918, ClinGen allele CA411476102.